The following is an entry in ClinVar:

ClinVar aggregate classification (germline): Conflicting classifications of pathogenicity. Review status: criteria provided, conflicting classifications (1 of 4 stars). 4 submissions from 4 submitters: Uncertain significance (3); Likely benign (1). Last evaluated 2024-11-05.

Conditions:
Townes syndrome (TBS). Also called: Townes-Brocks syndrome. Identifiers: Orphanet 857, MedGen C0265246, MeSH C536974, MONDO:0007142.
Inborn genetic diseases. Identifiers: MedGen C0950123, MeSH D030342.
Townes-Brocks syndrome 1 (TBS1). Also called: DEAFNESS, SENSORINEURAL, WITH IMPERFORATE ANUS AND THUMB ANOMALIES; REAR SYNDROME; RENAL-EAR-ANAL-RADIAL SYNDROME; SALL1-Related Townes-Brocks Syndrome. Identifiers: Orphanet 857, MedGen C4551481, MONDO:0054581, OMIM 107480.

Allele frequency attached by ClinVar (database versions not stated): gnomAD exomes 0.00002 and 0.00006; gnomAD 0.00003; ExAC 0.00006; TOPMed 0.00006; 1000 Genomes Project 30x 0.00016; 1000 Genomes Project 0.00020.
gnomAD v4.1: 40 of 1,613,924 alleles (0.0025%); highest among the groups gnomAD compares: Admixed American, 0.018%; no homozygotes.

Submissions (4):

Labcorp Genetics (formerly Invitae), Labcorp
Classification: Uncertain significance for Townes syndrome. Last evaluated: 2024-11-05. Review status: criteria provided, single submitter. Criteria: Invitae Variant Classification Sherloc (09022015). Collection method: clinical testing. Allele origin: germline.
Comment: This sequence change replaces asparagine, which is neutral and polar, with serine, which is neutral and polar, at codon 1243 of the SALL1 protein (p.Asn1243Ser). This variant is present in population databases (rs535981732, gnomAD 0.02%). This variant has not been reported in the literature in individuals affected with SALL1-related conditions. This missense change has been observed in at least one individual who was not affected with SALL1-related conditions (internal data). ClinVar contains an entry for this variant (Variation ID: 1431472). An algorithm developed to predict the effect of missense changes on protein structure and function (PolyPhen-2) suggests that this variant is likely to be tolerated. In summary, the available evidence is currently insufficient to determine the role of this variant in disease. Therefore, it has been classified as a Variant of Uncertain Significance.

Ambry Genetics
Classification: Uncertain significance for Inborn genetic diseases. Last evaluated: 2024-03-30. Review status: criteria provided, single submitter. Criteria: Ambry Variant Classification Scheme 2023. Collection method: clinical testing. Allele origin: germline.

Blueprint Genetics
Classification: Likely benign. Last evaluated: 2021-09-03. Review status: criteria provided, single submitter. Criteria: ACMG Guidelines, 2015. Collection method: clinical testing. Allele origin: germline.

Fulgent Genetics
Classification: Uncertain significance for Townes-Brocks syndrome 1. Last evaluated: 2021-08-03. Review status: criteria provided, single submitter. Criteria: ACMG Guidelines, 2015. Collection method: clinical testing. Allele origin: unknown.

NM_002968.3(SALL1):c.3728A>G (p.Asn1243Ser)

Gene: SALL1 (spalt like transcription factor 1; minus strand). Cytogenetic location: 16q12.1.
Variant type: single nucleotide variant.
Coding change: c.3728A>G on transcript NM_002968.3 (MANE Select); coding-DNA position 3728, A replaced by G.
Protein change: p.Asn1243Ser; replaces asparagine 1243 with serine.
Molecular consequence: missense variant.
Genome position (GRCh38, 1-based): chr16:51,137,359, T>C on the plus strand (A>G on the coding strand, the complement: SALL1 is on the minus strand). VCF-style: chr16-51137359-T-C. GRCh37 (hg19) VCF-style: chr16-51171270-T-C.
Other names: c.3437A>G, p.Asn1146Ser (NM_001127892.2); c.3728A>G (NM_002968.2); short protein forms N1146S, N1243S.
Identifiers: ClinVar variation 1431472 (VCV001431472.11), dbSNP rs535981732, ClinGen allele CA8052843.